The following is an entry in ClinVar:

NM_000085.5(CLCNKB):c.1741C>T (p.Leu581=)

Genes: CLCNKB (chloride voltage-gated channel Kb; plus strand), LOC106501713 (CLCNKB recombination region; plus strand). Cytogenetic location: 1p36.13.
Variant type: single nucleotide variant.
Coding change: c.1741C>T on transcript NM_000085.5 (MANE Select); coding-DNA position 1741, C replaced by T.
Protein change: p.Leu581=; no amino-acid change (leucine 581 retained).
Molecular consequence: synonymous variant.
Genome position (GRCh38, 1-based): chr1:16,053,757, C>T. VCF-style: chr1-16053757-C-T. GRCh37 (hg19) VCF-style: chr1-16380252-C-T.
Other names: p.Leu581=; c.1234C>T, p.Leu412= (NM_001165945.2).
Identifiers: ClinVar variation 447097 (VCV000447097.21), dbSNP rs2275167, ClinGen allele CA623994.

ClinVar aggregate classification (germline): Benign. Review status: criteria provided, multiple submitters, no conflicts (2 of 4 stars). 10 submissions from 9 submitters: Benign (10). Last evaluated 2026-06-30.

Conditions:
Bartter disease type 3. Also called: Bartter syndrome type 3. Identifiers: Orphanet 112, Orphanet 93605, MedGen C1846343, MONDO:0011822, OMIM 607364.
Bartter disease type 4B. Also called: BARTTER SYNDROME, TYPE 4B, NEONATAL, WITH SENSORINEURAL DEAFNESS; BARTTER SYNDROME, TYPE 4B; Bartter syndrome, type 4b, digenic. Identifiers: Orphanet 112, MedGen C4310805, MONDO:0000909, OMIM 613090.

Allele frequency attached by ClinVar (database versions not stated): 1000 Genomes Project 0.61362; gnomAD exomes 0.61802; TOPMed 0.60514; ESP Exome Variant Server 0.61133; 1000 Genomes Project 30x 0.61165; ExAC 0.62103; gnomAD 0.64121.
gnomAD v4.1: 1,033,258 of 1,610,996 alleles (64%); highest among the groups gnomAD compares: East Asian, 81%; 333,792 homozygotes.

Submissions (10):

Women's Health and Genetics/Laboratory Corporation of America, LabCorp
Classification: Benign. Last evaluated: 2026-06-30. Review status: criteria provided, single submitter. Criteria: LabCorp Variant Classification Summary - May 2015. Collection method: clinical testing. Allele origin: germline.

Labcorp Genetics (formerly Invitae), Labcorp
Classification: Benign. Last evaluated: 2026-02-04. Review status: criteria provided, single submitter. Criteria: Invitae Variant Classification Sherloc (09022015). Collection method: clinical testing. Allele origin: germline.

Blueprint Genetics
Classification: Benign. Last evaluated: 2024-11-26. Review status: criteria provided, single submitter. Criteria: ACMG Guidelines, 2015. Collection method: clinical testing. Allele origin: germline.

Mayo Clinic Laboratories, Mayo Clinic
Classification: Benign. Last evaluated: 2022-04-26. Review status: criteria provided, single submitter. Criteria: ACMG Guidelines, 2015. Collection method: clinical testing. Allele origin: germline. Observed: 336 variant alleles.

Genome-Nilou Lab
Classification: Benign for Bartter disease type 4B. Last evaluated: 2021-07-22. Review status: criteria provided, single submitter. Criteria: ACMG Guidelines, 2015. Collection method: clinical testing. Allele origin: germline. Affected: no.

Genome-Nilou Lab
Classification: Benign for Bartter disease type 3. Last evaluated: 2021-07-22. Review status: criteria provided, single submitter. Criteria: ACMG Guidelines, 2015. Collection method: clinical testing. Allele origin: germline. Affected: no.

GeneDx
Classification: Benign. Last evaluated: 2018-11-10. Review status: criteria provided, single submitter. Criteria: GeneDx Variant Classification Process June 2021. Collection method: clinical testing. Allele origin: germline. Affected: yes.

Athena Diagnostics
Classification: Benign. Last evaluated: 2017-07-26. Review status: criteria provided, single submitter. Criteria: Athena Diagnostics Criteria. Collection method: clinical testing. Allele origin: germline.

Laboratory for Molecular Medicine, Mass General Brigham Personalized Medicine
Classification: Benign. Last evaluated: 2016-03-21. Review status: criteria provided, single submitter. Criteria: LMM Criteria. Collection method: clinical testing. Allele origin: germline. Observed: 1 variant allele.
Comment: p.Leu581Leu in exon 16 of CLCNKB: This variant is not expected to have clinical significance because it does not alter an amino acid residue, is not located wit hin the splice consensus sequence, and has been identified in 78.99% (6785/8590) of East Asian chromosomes by the Exome Aggregation Consortium (ExAC; dbSNP rs2275167).

Breakthrough Genomics
Classification: Benign. Review status: criteria provided, single submitter. Criteria: ACMG Guidelines, 2015. Collection method: not provided. Allele origin: germline. Inheritance: Autosomal recessive inheritance. Affected: yes.